The following is an entry in ClinVar:

ClinVar aggregate classification (germline): Uncertain significance. Review status: criteria provided, multiple submitters, no conflicts (2 of 4 stars). 6 submissions from 6 submitters: Uncertain significance (6). Last evaluated 2025-06-02.

Conditions:
Hermansky-Pudlak syndrome 1 (HPS1). Also called: DELTA STORAGE POOL DISEASE. Identifiers: Orphanet 231500, Orphanet 79430, MedGen C2931875, MONDO:0008748, OMIM 203300.
Inborn genetic diseases. Identifiers: MedGen C0950123, MeSH D030342.

Allele frequency attached by ClinVar (database versions not stated): gnomAD exomes 0.00003 and 0.00006; ExAC 0.00010; gnomAD 0.00026 and 0.00031; 1000 Genomes Project 30x 0.00031; TOPMed 0.00034; 1000 Genomes Project 0.00040; ESP Exome Variant Server 0.00062.
gnomAD v4.1: 91 of 1,613,726 alleles (0.0056%); highest among the groups gnomAD compares: African/African-American, 0.11%; no homozygotes.

Submissions (6):

Women's Health and Genetics/Laboratory Corporation of America, LabCorp
Classification: Uncertain significance. Last evaluated: 2025-06-02. Review status: criteria provided, single submitter. Criteria: LabCorp Variant Classification Summary - May 2015. Collection method: clinical testing. Allele origin: germline.
Comment: Variant summary: HPS1 c.15G>C (p.Leu5Phe) results in a non-conservative amino acid change located in the FUZ/MON1/HPS1, first Longin domain (IPR043972) of the encoded protein sequence. Algorithms developed to predict the effect of missense changes on protein structure and function are either unavailable or do not agree on the potential impact of this missense change. The variant allele was found at a frequency of 5.6e-05 in 251492 control chromosomes. This frequency is not significantly higher than estimated for a pathogenic variant in HPS1 causing Hermansky-Pudlak Syndrome (5.6e-05 vs 0.00096), allowing no conclusion about variant significance. To our knowledge, no occurrence of c.15G>C in individuals affected with Hermansky-Pudlak Syndrome and no experimental evidence demonstrating its impact on protein function have been reported. ClinVar contains an entry for this variant (Variation ID: 1310667). Based on the evidence outlined above, the variant was classified as uncertain significance.

GeneDx
Classification: Uncertain significance. Last evaluated: 2024-11-08. Review status: criteria provided, single submitter. Criteria: GeneDx Variant Classification Process June 2021. Collection method: clinical testing. Allele origin: germline. Affected: yes.
Comment: In silico analysis, which includes protein predictors and evolutionary conservation, supports a deleterious effect; Has not been previously published as pathogenic or benign to our knowledge

Ambry Genetics
Classification: Uncertain significance for Inborn genetic diseases. Last evaluated: 2024-10-21. Review status: criteria provided, single submitter. Criteria: Ambry Variant Classification Scheme 2023. Collection method: clinical testing. Allele origin: germline.

Fulgent Genetics
Classification: Uncertain significance for Hermansky-Pudlak syndrome 1. Last evaluated: 2024-04-10. Review status: criteria provided, single submitter. Criteria: ACMG Guidelines, 2015. Collection method: clinical testing. Allele origin: germline.

Labcorp Genetics (formerly Invitae), Labcorp
Classification: Uncertain significance. Last evaluated: 2022-03-12. Review status: criteria provided, single submitter. Criteria: Invitae Variant Classification Sherloc (09022015). Collection method: clinical testing. Allele origin: germline.
Comment: This sequence change replaces leucine, which is neutral and non-polar, with phenylalanine, which is neutral and non-polar, at codon 5 of the HPS1 protein (p.Leu5Phe). This variant is present in population databases (rs146695034, gnomAD 0.07%). This variant has not been reported in the literature in individuals affected with HPS1-related conditions. ClinVar contains an entry for this variant (Variation ID: 1310667). Algorithms developed to predict the effect of missense changes on protein structure and function are either unavailable or do not agree on the potential impact of this missense change (SIFT: "Deleterious"; PolyPhen-2: "Probably Damaging"; Align-GVGD: "Class C0"). In summary, the available evidence is currently insufficient to determine the role of this variant in disease. Therefore, it has been classified as a Variant of Uncertain Significance.

Genetic Services Laboratory, University of Chicago
Classification: Uncertain significance. Last evaluated: 2019-12-02. Review status: criteria provided, single submitter. Criteria: ACMG Guidelines, 2015. Collection method: clinical testing. Allele origin: germline. Affected: no.

NM_000195.5(HPS1):c.15G>C (p.Leu5Phe)

Gene: HPS1 (HPS1 biogenesis of lysosomal organelles complex 3 subunit 1; minus strand). Cytogenetic location: 10q24.2.
Variant type: single nucleotide variant.
Coding change: c.15G>C on transcript NM_000195.5 (MANE Select); coding-DNA position 15, G replaced by C.
Protein change: p.Leu5Phe; replaces leucine 5 with phenylalanine.
Molecular consequence: missense variant. On other transcripts: 5 prime UTR variant (6).
Genome position (GRCh38, 1-based): chr10:98,443,226, C>G on the plus strand (G>C on the coding strand, the complement: HPS1 is on the minus strand). VCF-style: chr10-98443226-C-G. GRCh37 (hg19) VCF-style: chr10-100202983-C-G.
Other names: c.-902G>C (NM_001311345.2); c.15G>C, p.Leu5Phe (NM_001322476.2, NM_001322477.2, NM_001322478.2 and 8 more transcripts); c.-212G>C (NM_001322483.2, NM_001322484.2, NM_001322485.2); c.-1001G>C (NM_001322487.2); c.-759G>C (NM_001322489.2); short protein forms L5F.
Identifiers: ClinVar variation 1310667 (VCV001310667.13), dbSNP rs146695034, ClinGen allele CA5639535.